The following is an entry in ClinVar:

NM_020937.4(FANCM):c.5675A>C (p.Glu1892Ala)

Gene: FANCM (FA complementation group M; plus strand). Cytogenetic location: 14q21.2.
Variant type: single nucleotide variant.
Coding change: c.5675A>C on transcript NM_020937.4 (MANE Select); coding-DNA position 5675, A replaced by C.
Protein change: p.Glu1892Ala; replaces glutamic acid 1892 with alanine.
Molecular consequence: missense variant.
Genome position (GRCh38, 1-based): chr14:45,196,506, A>C. VCF-style: chr14-45196506-A-C. GRCh37 (hg19) VCF-style: chr14-45665709-A-C.
Other names: c.5597A>C, p.Glu1866Ala (NM_001308133.2); short protein forms E1866A, E1892A.
Identifiers: ClinVar variation 2578217 (VCV002578217.2), dbSNP rs764856752, ClinGen allele CA7170034.

ClinVar aggregate classification (germline): Uncertain significance. Review status: criteria provided, multiple submitters, no conflicts (2 of 4 stars). 2 submissions from 2 submitters: Uncertain significance (2). Last evaluated 2025-02-09.

Conditions:
Inborn genetic diseases. Identifiers: MedGen C0950123, MeSH D030342.

Allele frequency attached by ClinVar (database versions not stated): ExAC 0.00001.

Submissions (2):

Ambry Genetics
Classification: Uncertain significance for Inborn genetic diseases. Last evaluated: 2025-02-09. Review status: criteria provided, single submitter. Criteria: Ambry Variant Classification Scheme 2023. Collection method: clinical testing. Allele origin: germline.
Comment: The p.E1892A variant (also known as c.5675A>C), located in coding exon 21 of the FANCM gene, results from an A to C substitution at nucleotide position 5675. The glutamic acid at codon 1892 is replaced by alanine, an amino acid with dissimilar properties. This amino acid position is conserved. In addition, this alteration is predicted to be tolerated by in silico analysis. Based on the available evidence, the clinical significance of this variant remains unclear.

GeneDx
Classification: Uncertain significance. Last evaluated: 2023-02-28. Review status: criteria provided, single submitter. Criteria: GeneDx Variant Classification Process June 2021. Collection method: clinical testing. Allele origin: germline. Affected: yes.
Comment: Not observed at significant frequency in large population cohorts (gnomAD); In silico analysis supports that this missense variant has a deleterious effect on protein structure/function; Has not been previously published as pathogenic or benign to our knowledge